The following is an entry in ClinVar:

NM_000051.4(ATM):c.540A>C (p.Gln180His)

Gene: ATM (ATM serine/threonine kinase; plus strand). Cytogenetic location: 11q22.3.
Variant type: single nucleotide variant.
Coding change: c.540A>C on transcript NM_000051.4 (MANE Select); coding-DNA position 540, A replaced by C.
Protein change: p.Gln180His; replaces glutamine 180 with histidine.
Molecular consequence: missense variant.
Genome position (GRCh38, 1-based): chr11:108,243,996, A>C. VCF-style: chr11-108243996-A-C. GRCh37 (hg19) VCF-style: chr11-108114723-A-C.
Other names: c.540A>C, p.Gln180His (NM_001351834.2); short protein forms Q180H.
Identifiers: ClinVar variation 4827590 (VCV004827590.1).

ClinVar aggregate classification (germline): Uncertain significance (1 of 4 stars; one submission).

Conditions:
Hereditary cancer-predisposing syndrome. Also called: Neoplastic Syndromes, Hereditary; Tumor predisposition; Hereditary Cancer Syndrome; Hereditary neoplastic syndrome. Identifiers: Orphanet 140162, MedGen C0027672, MeSH D009386, MONDO:0015356.

Submission:

Ambry Genetics
Classification: Uncertain significance for Hereditary cancer-predisposing syndrome. Last evaluated: 2026-02-27. Review status: criteria provided, single submitter. Criteria: Ambry Variant Classification Scheme 2023. Collection method: clinical testing. Allele origin: germline.
Comment: The p.Q180H variant (also known as c.540A>C), located in coding exon 5 of the ATM gene, results from an A to C substitution at nucleotide position 540. The glutamine at codon 180 is replaced by histidine, an amino acid with highly similar properties. This amino acid position is conserved. In addition, this alteration is predicted to be tolerated by in silico analysis. Based on the available evidence, the clinical significance of this variant remains unclear.